The following is an entry in ClinVar:

NM_004360.5(CDH1):c.2449G>C (p.Ala817Pro)

Gene: CDH1 (cadherin 1; plus strand). Cytogenetic location: 16q22.1.
Variant type: single nucleotide variant.
Coding change: c.2449G>C on transcript NM_004360.5 (MANE Select); coding-DNA position 2449, G replaced by C.
Protein change: p.Ala817Pro; replaces alanine 817 with proline.
Molecular consequence: missense variant.
Genome position (GRCh38, 1-based): chr16:68,833,299, G>C. VCF-style: chr16-68833299-G-C. GRCh37 (hg19) VCF-style: chr16-68867202-G-C.
Other names: c.2266G>C, p.Ala756Pro (NM_001317184.2); c.901G>C, p.Ala301Pro (NM_001317185.2); c.484G>C, p.Ala162Pro (NM_001317186.2); short protein forms A817P, A162P, A301P, A756P.
Identifiers: ClinVar variation 2847525 (VCV002847525.4), dbSNP rs2152143844, ClinGen allele CA396471969.

ClinVar aggregate classification (germline): Uncertain significance. Review status: criteria provided, multiple submitters, no conflicts (2 of 4 stars). 2 submissions from 2 submitters: Uncertain significance (2). Last evaluated 2025-04-28.

Conditions:
Hereditary cancer-predisposing syndrome. Also called: Hereditary Cancer Syndrome; Hereditary neoplastic syndrome; Neoplastic Syndromes, Hereditary; Tumor predisposition. Identifiers: Orphanet 140162, MedGen C0027672, MeSH D009386, MONDO:0015356.
Hereditary diffuse gastric adenocarcinoma (HDGC). Also called: DIFFUSE GASTRIC AND LOBULAR BREAST CANCER SYNDROME. Identifiers: Orphanet 26106, MedGen C1708349, MONDO:0007648, OMIM 137215.

Submissions (2):

Labcorp Genetics (formerly Invitae), Labcorp
Classification: Uncertain significance for Hereditary diffuse gastric adenocarcinoma. Last evaluated: 2025-04-28. Review status: criteria provided, single submitter. Criteria: Invitae Variant Classification Sherloc (09022015). Collection method: clinical testing. Allele origin: germline.
Comment: This sequence change replaces alanine, which is neutral and non-polar, with proline, which is neutral and non-polar, at codon 817 of the CDH1 protein (p.Ala817Pro). This variant is not present in population databases (gnomAD no frequency). This variant has not been reported in the literature in individuals affected with CDH1-related conditions. ClinVar contains an entry for this variant (Variation ID: 2847525). An algorithm developed to predict the effect of missense changes on protein structure and function (PolyPhen-2) suggests that this variant is likely to be disruptive. In summary, the available evidence is currently insufficient to determine the role of this variant in disease. Therefore, it has been classified as a Variant of Uncertain Significance.

Ambry Genetics
Classification: Uncertain significance for Hereditary cancer-predisposing syndrome. Last evaluated: 2023-12-18. Review status: criteria provided, single submitter. Criteria: Ambry Variant Classification Scheme 2023. Collection method: clinical testing. Allele origin: germline.
Comment: The p.A817P variant (also known as c.2449G>C), located in coding exon 16 of the CDH1 gene, results from a G to C substitution at nucleotide position 2449. The alanine at codon 817 is replaced by proline, an amino acid with highly similar properties. This amino acid position is conserved. In addition, this alteration is predicted to be deleterious by in silico analysis. Since supporting evidence is limited at this time, the clinical significance of this alteration remains unclear.